The following is an entry in ClinVar:

ClinVar aggregate classification (germline): Benign. Review status: criteria provided, multiple submitters, no conflicts (2 of 4 stars). 4 submissions from 4 submitters: Benign (3). 1 of the submissions does not count toward it. Last evaluated 2019-12-31.

Conditions:
TRIO-related disorder. Also called: TRIO-related disorders; TRIO-related condition.

Allele frequency attached by ClinVar (database versions not stated): gnomAD 0.00086 and 0.00006; gnomAD exomes 0.00132 and 0.00275; ExAC 0.00306; 1000 Genomes Project 30x 0.00625; 1000 Genomes Project 0.00659; TOPMed 0.00012.
gnomAD v4.1: 2,028 of 1,585,924 alleles (0.13%); highest among the groups gnomAD compares: South Asian, 2.2%; 50 homozygotes.

Submissions (4):

Labcorp Genetics (formerly Invitae), Labcorp
Classification: Benign. Last evaluated: 2019-12-31. Review status: criteria provided, single submitter. Criteria: Invitae Variant Classification Sherloc (09022015). Collection method: clinical testing. Allele origin: germline.

GeneDx
Classification: Benign. Last evaluated: 2019-11-08. Review status: criteria provided, single submitter. Criteria: GeneDx Variant Classification Process June 2021. Collection method: clinical testing. Allele origin: germline. Affected: yes.

Breakthrough Genomics
Classification: Benign. Review status: criteria provided, single submitter. Criteria: ACMG Guidelines, 2015. Collection method: not provided. Allele origin: germline. Inheritance: Autosomal dominant inheritance. Affected: yes.

PreventionGenetics, part of Exact Sciences
Classification: Benign for TRIO-related condition. Last evaluated: 2024-06-03. Review status: no assertion criteria provided. Collection method: clinical testing. Allele origin: germline. Not counted in ClinVar's aggregate classification.
Comment: This variant is classified as benign based on ACMG/AMP sequence variant interpretation guidelines (Richards et al. 2015 PMID: 25741868, with internal and published modifications).

NM_007118.4(TRIO):c.6654C>A (p.Ile2218=)

Gene: TRIO (trio Rho guanine nucleotide exchange factor; plus strand). Cytogenetic location: 5p15.2.
Variant type: single nucleotide variant.
Coding change: c.6654C>A on transcript NM_007118.4 (MANE Select); coding-DNA position 6654, C replaced by A.
Protein change: p.Ile2218=; no amino-acid change (isoleucine 2218 retained).
Molecular consequence: synonymous variant. On other transcripts: non-coding transcript variant (1).
Genome position (GRCh38, 1-based): chr5:14,482,770, C>A. VCF-style: chr5-14482770-C-A. GRCh37 (hg19) VCF-style: chr5-14482879-C-A.
Identifiers: ClinVar variation 790832 (VCV000790832.9), dbSNP rs201985481, ClinGen allele CA3207180.